The following is an entry in ClinVar:

NM_001257096.2(PAX1):c.1132G>A (p.Val378Met)

Gene: PAX1 (paired box 1; plus strand). Cytogenetic location: 20p11.22.
Variant type: single nucleotide variant.
Coding change: c.1132G>A on transcript NM_001257096.2 (MANE Select); coding-DNA position 1132, G replaced by A.
Protein change: p.Val378Met; replaces valine 378 with methionine.
Molecular consequence: missense variant.
Genome position (GRCh38, 1-based): chr20:21,709,294, G>A. VCF-style: chr20-21709294-G-A. GRCh37 (hg19) VCF-style: chr20-21689932-G-A.
Other names: c.1132G>A, p.Val378Met (NM_006192.5); short protein forms V378M.
Identifiers: ClinVar variation 1986895 (VCV001986895.2), dbSNP rs367712351, ClinGen allele CA9786692.

ClinVar aggregate classification (germline): Uncertain significance (1 of 4 stars; one submission).

Allele frequency attached by ClinVar (database versions not stated): gnomAD 0.00001; ExAC 0.00004; ESP Exome Variant Server 0.00008.
gnomAD v4.1: 19 of 1,604,046 alleles (0.0012%); highest among the groups gnomAD compares: Admixed American, 0.012%; no homozygotes.

Submission:

Labcorp Genetics (formerly Invitae), Labcorp
Classification: Uncertain significance. Last evaluated: 2022-07-24. Review status: criteria provided, single submitter. Criteria: Invitae Variant Classification Sherloc (09022015). Collection method: clinical testing. Allele origin: germline.
Comment: In summary, the available evidence is currently insufficient to determine the role of this variant in disease. Therefore, it has been classified as a Variant of Uncertain Significance. Algorithms developed to predict the effect of missense changes on protein structure and function are either unavailable or do not agree on the potential impact of this missense change (SIFT: "Deleterious"; PolyPhen-2: "Probably Damaging"; Align-GVGD: "Class C0"). This variant has not been reported in the literature in individuals affected with PAX1-related conditions. This variant is present in population databases (rs367712351, gnomAD 0.02%). This sequence change replaces valine, which is neutral and non-polar, with methionine, which is neutral and non-polar, at codon 378 of the PAX1 protein (p.Val378Met).